The following is an entry in ClinVar:

NM_000169.3(GLA):c.1072G>T (p.Glu358Ter)

Genes: GLA (galactosidase alpha; minus strand), RPL36A-HNRNPH2 (RPL36A-HNRNPH2 readthrough; plus strand). Cytogenetic location: Xq22.1.
Variant type: single nucleotide variant.
Coding change: c.1072G>T on transcript NM_000169.3 (MANE Select); coding-DNA position 1072, G replaced by T.
Protein change: p.Glu358Ter; replaces glutamic acid 358 with a stop codon.
Molecular consequence: nonsense. On other transcripts: non-coding transcript variant (3), intron variant (2).
Genome position (GRCh38, 1-based): chrX:101,398,027, C>A on the plus strand (G>T on the coding strand, the complement: GLA is on the minus strand). VCF-style: chrX-101398027-C-A. GRCh37 (hg19) VCF-style: chrX-100653015-C-A.
Other names: c.1195G>T, p.Glu399Ter (NM_001406747.1); c.300+2570C>A (NM_001199973.2); c.177+6205C>A (NM_001199974.2); short protein forms E358*, E399*.
Identifiers: ClinVar variation 928721 (VCV000928721.2), dbSNP rs797044774, ClinGen allele CA413920866.

ClinVar aggregate classification (germline): Pathogenic/Likely pathogenic. Review status: criteria provided, multiple submitters, no conflicts (2 of 4 stars). 2 submissions from 2 submitters: Pathogenic (1); Likely pathogenic (1). Last evaluated 2026-09-08.

Conditions:
Fabry disease. Also called: Angiokeratoma corporis diffusum; Fabry's disease; Ceramide trihexosidosis; ALPHA-GALACTOSIDASE A DEFICIENCY; ANDERSON-FABRY DISEASE; CERAMIDE TRIHEXOSIDASE DEFICIENCY. Identifiers: Orphanet 324, MedGen C0002986, MONDO:0010526, OMIM 301500, HP:0001071. Disease mechanism: Fabry disease is due to inactivating mutations in the X-linked GLA gene resulting in deficiency of the enzyme Alpha Galactosidase-A., loss of function.

Submissions (2):

Genomenon, Inc
Classification: Pathogenic for Fabry disease. Last evaluated: 2026-09-08. Review status: criteria provided, single submitter. Criteria: Genomenon Sequence Variant Interpretation Standards - Updated. Collection method: curation. Allele origin: germline. Affected: yes.
Comment: GLA p.Glu358Ter (c.1072G>T) is a nonsense variant that introduces a premature stop codon at amino acid position 358 and is predicted to result in a truncated or absent protein product. This variant has been observed in at least one proband with clinical features consistent with Fabry disease (PMID:23935525). It is absent or not present at a significant frequency in gnomAD. In conclusion, we classify GLA p.Glu358Ter (c.1072G>T) as a pathogenic variant.

Women's Health and Genetics/Laboratory Corporation of America, LabCorp
Classification: Likely pathogenic for Fabry disease. Last evaluated: 2019-10-22. Review status: criteria provided, single submitter. Criteria: LabCorp Variant Classification Summary - May 2015. Collection method: clinical testing. Allele origin: germline.
Comment: Variant summary: GLA c.1072G>T (p.Glu358X) results in a premature termination codon, predicted to cause a truncation of the encoded protein or absence of the protein due to nonsense mediated decay, which are commonly known mechanisms for disease. Truncations downstream of this position have been classified as pathogenic by our laboratory. The variant was absent in 183299 control chromosomes (gnomAD). c.1072G>T has been reported in the literature in an individual affected with Fabry Disease (Lukas_2013). To our knowledge, no experimental evidence demonstrating an impact on protein function has been reported. No clinical diagnostic laboratories have submitted clinical-significance assessments for this variant to ClinVar after 2014. Based on the evidence outlined above, the variant was classified as likely pathogenic.

Literature cited by the submitters: PubMed 23935525 (cited by Genomenon, Inc and Women's Health and Genetics/Laboratory Corporation of America, LabCorp).